The following is an entry in ClinVar:

NM_005219.5(DIAPH1):c.2373C>T (p.Asp791=)

Gene: DIAPH1 (diaphanous related formin 1; minus strand). Cytogenetic location: 5q31.3.
Variant type: single nucleotide variant.
Coding change: c.2373C>T on transcript NM_005219.5 (MANE Select); coding-DNA position 2373, C replaced by T.
Protein change: p.Asp791=; no amino-acid change (aspartic acid 791 retained).
Molecular consequence: synonymous variant.
Genome position (GRCh38, 1-based): chr5:141,572,026, G>A on the plus strand (C>T on the coding strand, the complement: DIAPH1 is on the minus strand). VCF-style: chr5-141572026-G-A. GRCh37 (hg19) VCF-style: chr5-140951593-G-A.
Other names: p.Asp791=; c.2346C>T, p.Asp782= (NM_001079812.3); c.2373C>T, p.Asp791= (NM_001314007.2).
Identifiers: ClinVar variation 227303 (VCV000227303.9), dbSNP rs756608855, ClinGen allele CA3479087.

ClinVar aggregate classification (germline): Likely benign. Review status: criteria provided, multiple submitters, no conflicts (2 of 4 stars). 4 submissions from 4 submitters: Likely benign (4). Last evaluated 2025-09-10.

Conditions:
Progressive microcephaly-seizures-cortical blindness-developmental delay syndrome. Also called: Seizures, cortical blindness, and microcephaly syndrome. Identifiers: Orphanet 477814, MedGen C5567650, MONDO:0014714, OMIM 616632.
Autosomal dominant nonsyndromic hearing loss 1. Also called: DEAFNESS, AUTOSOMAL DOMINANT 1, WITH OR WITHOUT THROMBOCYTOPENIA; KONIGSMARK SYNDROME. Identifiers: Orphanet 90635, MedGen C1852282, MONDO:0007424, OMIM 124900.

Allele frequency attached by ClinVar (database versions not stated): TOPMed below 0.00001; ExAC 0.00002.
gnomAD v4.1: 10 of 1,613,740 alleles (0.00062%); highest among the groups gnomAD compares: Admixed American, 0.015%; no homozygotes.

Submissions (4):

Labcorp Genetics (formerly Invitae), Labcorp
Classification: Likely benign for Progressive microcephaly-seizures-cortical blindness-developmental delay syndrome; Autosomal dominant nonsyndromic hearing loss 1. Last evaluated: 2025-09-10. Review status: criteria provided, single submitter. Criteria: Invitae Variant Classification Sherloc (09022015). Collection method: clinical testing. Allele origin: germline.

Mayo Clinic Laboratories, Mayo Clinic
Classification: Likely benign. Last evaluated: 2025-09-03. Review status: criteria provided, single submitter. Criteria: ACMG Guidelines, 2015. Collection method: clinical testing. Allele origin: germline. Observed: 1 variant allele.
Comment: BP4, BP7

Blueprint Genetics
Classification: Likely benign. Last evaluated: 2022-08-09. Review status: criteria provided, single submitter. Criteria: ACMG Guidelines, 2015. Collection method: clinical testing. Allele origin: germline.

Laboratory for Molecular Medicine, Mass General Brigham Personalized Medicine
Classification: Likely benign. Last evaluated: 2015-09-30. Review status: criteria provided, single submitter. Criteria: LMM Criteria. Collection method: clinical testing. Allele origin: germline. Observed: 1 variant allele.
Comment: p.Asp791Asp in exon 17 of DIAPH1: This variant is not expected to have clinical significance because it does not alter an amino acid residue and is not located within the splice consensus sequence. It has been identified in 2/11566 of Latin o chromosomes by the Exome Aggregation Consortium (ExAC; dbSNP rs756608855).